The following is an entry in ClinVar:

NM_024675.4(PALB2):c.2829_2830del (p.Glu943fs)

Gene: PALB2 (partner and localizer of BRCA2; minus strand). Cytogenetic location: 16p12.2.
Variant type: Microsatellite.
Coding change: c.2829_2830del on transcript NM_024675.4 (MANE Select); coding-DNA positions 2829 to 2830, 2 bases deleted (GA; older notation c.2829_2830delGA).
Protein change: p.Glu943fs; shifts the reading frame from glutamic acid 943.
Molecular consequence: frameshift variant.
Genome position (GRCh38, 1-based): chr16:23,624,013-23,624,014, TC deleted on the plus strand (GA on the coding strand, the reverse complement: PALB2 is on the minus strand); deleting any 2 consecutive bases within chr16:23,624,013-23,624,019 gives the same sequence; the c. name uses the placement nearest the transcript's 3' end. VCF-style (leftmost placement, unchanged base first): chr16-23624012-ATC-A. GRCh37 (hg19) VCF-style: chr16-23635333-ATC-A.
Other names: c.2769_2770del, p.Glu923fs (NM_001407296.1); c.1782_1783del, p.Glu594fs (NM_001407307.1); c.1944_1945del, p.Glu648fs (NM_001407308.1, NM_001407309.1, NM_001407310.1 and 4 more transcripts); c.1041_1042del, p.Glu347fs (NM_001407312.1, NM_001407313.1); c.363_364del, p.Glu121fs (NM_001407314.1); c.2824_2825AG[2], p.Glu943Aspfs (NM_024675.3); c.2829_2830delGA (NM_024675.3); c.2757_2758del, p.Glu919fs (NM_001407297.1); and 2 more; short protein forms E923fs, E121fs, E594fs, E648fs, E889fs, E919fs, E347fs, E943fs.
Identifiers: ClinVar variation 3303988 (VCV003303988.2).
Genomic context (GRCh38, chr16:23,624,012, plus strand): 5'-CCAGCTGACAGAGACAAAGATGAAGGAAAAACAAATCACTCCTTGGGAATTACATACCTG[ATC>A]TCTCTGATTTCCAAATTTCCCAAAGCTACACACACGAGATTATACACATCAGGCACTGGA-3'

ClinVar aggregate classification (germline): Pathogenic. Review status: criteria provided, multiple submitters, no conflicts (2 of 4 stars). 2 submissions from 2 submitters: Pathogenic (2). Last evaluated 2025-04-02.

Conditions:
Familial cancer of breast. Also called: BREAST CANCER, FAMILIAL; Hereditary breast cancer; hereditary breast carcinoma. Identifiers: Orphanet 227535, MedGen C0346153, MONDO:0016419, OMIM 114480. Disease mechanism: loss of function.
Hereditary cancer-predisposing syndrome. Also called: Tumor predisposition; Hereditary Cancer Syndrome; Hereditary neoplastic syndrome; Neoplastic Syndromes, Hereditary. Identifiers: Orphanet 140162, MedGen C0027672, MeSH D009386, MONDO:0015356.

Submissions (2):

Labcorp Genetics (formerly Invitae), Labcorp
Classification: Pathogenic for Familial cancer of breast. Last evaluated: 2025-04-02. Review status: criteria provided, single submitter. Criteria: Invitae Variant Classification Sherloc (09022015). Collection method: clinical testing. Allele origin: germline.
Comment: This sequence change creates a premature translational stop signal (p.Glu943Aspfs*9) in the PALB2 gene. It is expected to result in an absent or disrupted protein product. Loss-of-function variants in PALB2 are known to be pathogenic (PMID: 17200668, 17200671, 17200672, 24136930, 25099575). This variant is not present in population databases (gnomAD no frequency). This variant has not been reported in the literature in individuals affected with PALB2-related conditions. For these reasons, this variant has been classified as Pathogenic.

Ambry Genetics
Classification: Pathogenic for Hereditary cancer-predisposing syndrome. Last evaluated: 2024-04-08. Review status: criteria provided, single submitter. Criteria: Ambry Variant Classification Scheme 2023. Collection method: clinical testing. Allele origin: germline.
Comment: The c.2829_2830delGA pathogenic mutation, located in coding exon 8 of the PALB2 gene, results from a deletion of two nucleotides at nucleotide positions 2829 to 2830, causing a translational frameshift with a predicted alternate stop codon (p.E943Dfs*9). This alteration is expected to result in loss of function by premature protein truncation or nonsense-mediated mRNA decay. As such, this alteration is interpreted as a disease-causing mutation.

Literature cited by the submitters: PubMed 17200668 (cited by Labcorp Genetics (formerly Invitae), Labcorp); PubMed 17200671 (cited by Labcorp Genetics (formerly Invitae), Labcorp); PubMed 17200672 (cited by Labcorp Genetics (formerly Invitae), Labcorp); PubMed 24136930 (cited by Labcorp Genetics (formerly Invitae), Labcorp); PubMed 25099575 (cited by Labcorp Genetics (formerly Invitae), Labcorp).